The following is an entry in ClinVar:

ClinVar aggregate classification (germline): Conflicting classifications of pathogenicity. Review status: criteria provided, conflicting classifications (1 of 4 stars). 3 submissions from 3 submitters: Uncertain significance (1); Likely benign (2). Last evaluated 2025-01-09.

Conditions:
Congenital dyserythropoietic anemia, type II (CDAN2). Also called: DYSERYTHROPOIETIC ANEMIA, HEMPAS TYPE. Identifiers: Orphanet 98873, MedGen C1306589, MONDO:0009134, OMIM 224100.
Cowden syndrome 7 (CWS7). Identifiers: Orphanet 201, MedGen C4225179, MONDO:0014802, OMIM 616858.

Allele frequency attached by ClinVar (database versions not stated): gnomAD 0.00005; TOPMed 0.00005.
gnomAD v4.1: 7 of 152,204 alleles (0.0046%); highest among the groups gnomAD compares: Non-Finnish European, 0.0073%; no homozygotes.

Submissions (4):

Women's Health and Genetics/Laboratory Corporation of America, LabCorp
Classification: Likely benign. Last evaluated: 2025-01-09. Review status: criteria provided, single submitter. Criteria: LabCorp Variant Classification Summary - May 2015. Collection method: clinical testing. Allele origin: germline.
Comment: Variant summary: SEC23B c.221+163A>G is located at a position not widely known to affect splicing. Consensus agreement among computation tools predict no significant impact on normal splicing (TrAP). At-least one study reported this variant may affect splicing however did not provide convincing conclusions about the variant effect (example: Russo_2013). The variant was absent in 31396 control chromosomes. The available data on variant occurrences in the general population are insufficient to allow any conclusion about variant significance. c.221+163A>G has been reported in the literature in at-least one individual affected with Congenital dyserythropoietic anemia type II (example: Russo_2013). These data do not allow any conclusion about variant significance. The following publication has been ascertained in the context of this evaluation (PMID: 23453696). ClinVar contains an entry for this variant (Variation ID: 2949145). Based on the evidence outlined above, the variant was classified as likely benign.

Labcorp Genetics (formerly Invitae), Labcorp
Classification: Likely benign for Congenital dyserythropoietic anemia, type II; Cowden syndrome 7. Last evaluated: 2024-03-09. Review status: criteria provided, single submitter. Criteria: Invitae Variant Classification Sherloc (09022015). Collection method: clinical testing. Allele origin: germline.

Blueprint Genetics
Classification: Uncertain significance. Last evaluated: 2023-05-11. Review status: criteria provided, single submitter. Criteria: ACMG Guidelines, 2015. Collection method: clinical testing. Allele origin: germline.

Dr. Peter K. Rogan Lab, Western University
No classification provided (evidence only). Condition: Acute myeloid leukemia. Review status: no classification provided. Collection method: in vitro. Allele origin: not applicable. Functional consequence: retained intron. Not counted in ClinVar's aggregate classification.

Literature cited by the submitters: PubMed 23453696 (cited by Women's Health and Genetics/Laboratory Corporation of America, LabCorp).

NM_006363.6(SEC23B):c.221+163A>G

Gene: SEC23B (SEC23 homolog B, COPII component; plus strand). Cytogenetic location: 20p11.23.
Variant type: single nucleotide variant.
Coding change: c.221+163A>G on transcript NM_006363.6 (MANE Select); 163 bases into the intron after coding-DNA position 221, A replaced by G.
Molecular consequence: intron variant.
Genome position (GRCh38, 1-based): chr20:18,511,219, A>G. VCF-style: chr20-18511219-A-G. GRCh37 (hg19) VCF-style: chr20-18491863-A-G.
Other names: c.221+163A>G (NM_032986.5, NM_001172745.3, NM_032985.6 and 1 more transcripts).
Identifiers: ClinVar variation 2949145 (VCV002949145.8), dbSNP rs573898514, ClinGen allele CA312389386.